The following is an entry in ClinVar:

NM_000059.4(BRCA2):c.1822G>C (p.Asp608His)

Gene: BRCA2 (BRCA2 DNA repair associated; plus strand). Cytogenetic location: 13q13.1.
Variant type: single nucleotide variant.
Coding change: c.1822G>C on transcript NM_000059.4 (MANE Select); coding-DNA position 1822, G replaced by C.
Protein change: p.Asp608His; replaces aspartic acid 608 with histidine.
Molecular consequence: missense variant. On other transcripts: non-coding transcript variant (1), intron variant (1).
Genome position (GRCh38, 1-based): chr13:32,333,300, G>C. VCF-style: chr13-32333300-G-C. GRCh37 (hg19) VCF-style: chr13-32907437-G-C.
Other names: c.1822G>C, p.Asp608His (NM_001406719.1, NM_001406721.1, NM_001406720.1); c.424+2270G>C (NM_001406722.1); short protein forms D608H.
Identifiers: ClinVar variation 2748368 (VCV002748368.3), dbSNP rs1064794170, ClinGen allele CA387766088.

ClinVar aggregate classification (germline): Uncertain significance (1 of 4 stars; one submission).

Conditions:
Hereditary breast ovarian cancer syndrome. Also called: BRCA1- and BRCA2-Associated Hereditary Breast and Ovarian Cancer; Breast and ovarian cancer; Hereditary breast and/or ovarian cancer syndrome; Hereditary breast and ovarian cancer; Hereditary breast and ovarian cancer syndrome (HBOC); Hereditary breast and ovarian cancer syndrome. Identifiers: Orphanet 145, MedGen C0677776, MeSH D061325, MONDO:0003582. Disease mechanism: loss of function.

Submission:

Labcorp Genetics (formerly Invitae), Labcorp
Classification: Uncertain significance for Hereditary breast ovarian cancer syndrome. Last evaluated: 2024-04-22. Review status: criteria provided, single submitter. Criteria: Invitae Variant Classification Sherloc (09022015). Collection method: clinical testing. Allele origin: germline.
Comment: This sequence change replaces aspartic acid, which is acidic and polar, with histidine, which is basic and polar, at codon 608 of the BRCA2 protein (p.Asp608His). This variant is not present in population databases (gnomAD no frequency). This variant has not been reported in the literature in individuals affected with BRCA2-related conditions. Advanced modeling of protein sequence and biophysical properties (such as structural, functional, and spatial information, amino acid conservation, physicochemical variation, residue mobility, and thermodynamic stability) performed at Invitae indicates that this missense variant is not expected to disrupt BRCA2 protein function with a negative predictive value of 95%. In summary, the available evidence is currently insufficient to determine the role of this variant in disease. Therefore, it has been classified as a Variant of Uncertain Significance.